The following is an entry in ClinVar:

NM_198994.3(TGM6):c.1382T>C (p.Leu461Pro)

Gene: TGM6 (transglutaminase 6; plus strand). Cytogenetic location: 20p13.
Variant type: single nucleotide variant.
Coding change: c.1382T>C on transcript NM_198994.3 (MANE Select); coding-DNA position 1382, T replaced by C.
Protein change: p.Leu461Pro; replaces leucine 461 with proline.
Molecular consequence: missense variant.
Genome position (GRCh38, 1-based): chr20:2,417,277, T>C. VCF-style: chr20-2417277-T-C. GRCh37 (hg19) VCF-style: chr20-2397923-T-C.
Other names: c.1382T>C, p.Leu461Pro (NM_001254734.2); short protein forms L461P.
Identifiers: ClinVar variation 1687063 (VCV001687063.5), dbSNP rs984559925, ClinGen allele CA310850015.

ClinVar aggregate classification (germline): Uncertain significance. Review status: criteria provided, multiple submitters, no conflicts (2 of 4 stars). 2 submissions from 2 submitters: Uncertain significance (2). Last evaluated 2025-10-02.

Conditions:
Spinocerebellar ataxia type 35. Identifiers: Orphanet 276193, MedGen C3888031, MONDO:0013485, OMIM 613908.

Allele frequency attached by ClinVar (database versions not stated): gnomAD exomes 0.00001 and 0.00002; TOPMed 0.00002; gnomAD 0.00003 and 0.00004.
gnomAD v4.1: 26 of 1,610,614 alleles (0.0016%); highest among the groups gnomAD compares: Non-Finnish European, 0.0021%; no homozygotes.

Submissions (2):

Labcorp Genetics (formerly Invitae), Labcorp
Classification: Uncertain significance. Last evaluated: 2025-10-02. Review status: criteria provided, single submitter. Criteria: Invitae Variant Classification Sherloc (09022015). Collection method: clinical testing. Allele origin: germline.
Comment: This sequence change replaces leucine, which is neutral and non-polar, with proline, which is neutral and non-polar, at codon 461 of the TGM6 protein (p.Leu461Pro). The frequency data for this variant in the population databases is considered unreliable, as metrics indicate poor data quality at this position in the gnomAD database. This variant has not been reported in the literature in individuals affected with TGM6-related conditions. ClinVar contains an entry for this variant (Variation ID: 1687063). Invitae Evidence Modeling of protein sequence and biophysical properties (such as structural, functional, and spatial information, amino acid conservation, physicochemical variation, residue mobility, and thermodynamic stability) indicates that this missense variant is not expected to disrupt TGM6 protein function with a negative predictive value of 80%. In summary, the available evidence is currently insufficient to determine the role of this variant in disease. Therefore, it has been classified as a Variant of Uncertain Significance.

Institute of Human Genetics, University of Goettingen
Classification: Uncertain significance for Spinocerebellar ataxia type 35. Last evaluated: 2022-01-18. Review status: criteria provided, single submitter. Criteria: ACMG Guidelines, 2015. Collection method: clinical testing. Allele origin: unknown. Inheritance: Autosomal dominant inheritance. Observed: 1 heterozygote.
Comment: For the following reasons, the TGM6 sequence variant found is assessed by us as a "variant of uncertain significance" (VUS): a comparison with the gnomAD browser did not provide any evidence that this sequence change is a norm variant that can also be detected in non-affected individuals. The mutation is not currently listed in ClinVar or the HGMD database; the mutation is independently classified as deleterious by the majority of prediction programs; the molecular diagnosis matches part of the patient's clinical symptoms; the following ACMG criteria were used for classification: PM2, PP3.